The following is an entry in ClinVar:

ClinVar aggregate classification (germline): Uncertain significance. Review status: criteria provided, multiple submitters, no conflicts (2 of 4 stars). 2 submissions from 2 submitters: Uncertain significance (2). Last evaluated 2025-08-08.

Conditions:
Immunodeficiency 35 (IMD35). Also called: HIES WITH ATYPICAL MYCOBACTERIOSIS, AUTOSOMAL RECESSIVE; HYPER-IgE SYNDROME WITH ATYPICAL MYCOBACTERIOSIS, AUTOSOMAL RECESSIVE; TYK2 DEFICIENCY; Susceptibility to infection due to TYK2 deficiency. Identifiers: Orphanet 331226, MedGen C1969086, MONDO:0012682, OMIM 611521.

Allele frequency attached by ClinVar (database versions not stated): gnomAD 0.00001; gnomAD exomes 0.00001 and 0.00002; ExAC 0.00002.
gnomAD v4.1: 15 of 1,613,564 alleles (0.00093%); highest among the groups gnomAD compares: Non-Finnish European, 0.0012%; no homozygotes.

Submissions (2):

Laboratorio de Genetica e Diagnostico Molecular, Hospital Israelita Albert Einstein
Classification: Uncertain significance for Immunodeficiency 35. Last evaluated: 2025-08-08. Review status: criteria provided, single submitter. Criteria: ACMG Guidelines, 2015. Collection method: clinical testing. Allele origin: germline. Affected: yes.
Comment: ACMG classification criteria: PM2 supporting

Labcorp Genetics (formerly Invitae), Labcorp
Classification: Uncertain significance for Immunodeficiency 35. Last evaluated: 2022-04-07. Review status: criteria provided, single submitter. Criteria: Invitae Variant Classification Sherloc (09022015). Collection method: clinical testing. Allele origin: germline.
Comment: This sequence change replaces threonine, which is neutral and polar, with methionine, which is neutral and non-polar, at codon 427 of the TYK2 protein (p.Thr427Met). This variant is present in population databases (rs748061804, gnomAD 0.003%). This variant has not been reported in the literature in individuals affected with TYK2-related conditions. Algorithms developed to predict the effect of missense changes on protein structure and function are either unavailable or do not agree on the potential impact of this missense change (SIFT: "Not Available"; PolyPhen-2: "Probably Damaging"; Align-GVGD: "Not Available"). In summary, the available evidence is currently insufficient to determine the role of this variant in disease. Therefore, it has been classified as a Variant of Uncertain Significance.

NM_003331.5(TYK2):c.1280C>T (p.Thr427Met)

Gene: TYK2 (tyrosine kinase 2; minus strand). Cytogenetic location: 19p13.2.
Variant type: single nucleotide variant.
Coding change: c.1280C>T on transcript NM_003331.5 (MANE Select); coding-DNA position 1280, C replaced by T.
Protein change: p.Thr427Met; replaces threonine 427 with methionine.
Molecular consequence: missense variant.
Genome position (GRCh38, 1-based): chr19:10,364,701, G>A on the plus strand (C>T on the coding strand, the complement: TYK2 is on the minus strand). VCF-style: chr19-10364701-G-A. GRCh37 (hg19) VCF-style: chr19-10475377-G-A.
Other names: c.1280C>T, p.Thr427Met (NM_001385197.1, NM_001385198.1, NM_001385199.1 and 6 more transcripts); c.1082C>T, p.Thr361Met (NM_001385201.1); c.1190C>T, p.Thr397Met (NM_001385205.1); short protein forms T397M, T427M, T361M.
Identifiers: ClinVar variation 1399085 (VCV001399085.6), dbSNP rs748061804, ClinGen allele CA9193474.
Genomic context (GRCh38, chr19:10,364,701, plus strand): 5'-ATGCTCATCACCAGCCGTGGGGGAGCCACCTCGTGGCACAGGTAGTGGCTGGAGTCGGCC[G>A]TCAGGCGGAAATAGCCGTCCACCAGCGACACGAAGGACAGCGCCGCAGCCCGGGAAGGCA-3'
Protein context (NP_003322.3, residues 417-437): VSLVDGYFRL[Thr427Met]ADSSHYLCHE